The following is an entry in ClinVar:

NM_017763.6(RNF43):c.1122C>T (p.Pro374=)

Gene: RNF43 (ring finger protein 43; minus strand). Cytogenetic location: 17q22.
Variant type: single nucleotide variant.
Coding change: c.1122C>T on transcript NM_017763.6 (MANE Select); coding-DNA position 1122, C replaced by T.
Protein change: p.Pro374=; no amino-acid change (proline 374 retained).
Molecular consequence: synonymous variant.
Genome position (GRCh38, 1-based): chr17:58,358,654, G>A on the plus strand (C>T on the coding strand, the complement: RNF43 is on the minus strand). VCF-style: chr17-58358654-G-A. GRCh37 (hg19) VCF-style: chr17-56436015-G-A.
Other names: c.1122C>T, p.Pro374= (NM_001305544.3, NM_001438820.1, NM_001438821.1 and 1 more transcripts); c.741C>T, p.Pro247= (NM_001305545.2, NM_001437987.1).
Identifiers: ClinVar variation 4155737 (VCV004155737.2).

ClinVar aggregate classification (germline): Benign/Likely benign. Review status: criteria provided, multiple submitters, no conflicts (2 of 4 stars). 2 submissions from 2 submitters: Benign (1); Likely benign (1). Last evaluated 2026-07-01.

Conditions:
Sessile serrated polyposis cancer syndrome (SSPCS). Identifiers: Orphanet 157798, MedGen C4310714, MONDO:0014919, OMIM 617108.

gnomAD v4.1: 1 of 1,527,142 alleles (0.000065%); highest among the groups gnomAD compares: African/African-American, 0.0014%; no homozygotes.

Submissions (2):

Myriad Genetics, Inc.
Classification: Benign for Sessile serrated polyposis cancer syndrome. Last evaluated: 2026-07-01. Review status: criteria provided, single submitter. Criteria: Myriad Autosomal Dominant, Autosomal Recessive and X-Linked Classification Criteria (2023). Collection method: clinical testing. Allele origin: unknown.
Comment: This variant is considered benign. This variant is a silent/synonymous amino acid change and it is not expected to impact splicing.

Ambry Genetics
Classification: Likely benign. Last evaluated: 2025-07-04. Review status: criteria provided, single submitter. Criteria: Ambry Variant Classification Scheme 2023. Collection method: clinical testing. Allele origin: germline.